The following is an entry in ClinVar:

NM_001330360.2(POLA1):c.373G>A (p.Asp125Asn)

Gene: POLA1 (DNA polymerase alpha 1, catalytic subunit; plus strand). Cytogenetic location: Xp22.11.
Variant type: single nucleotide variant.
Coding change: c.373G>A on transcript NM_001330360.2 (MANE Select); coding-DNA position 373, G replaced by A.
Protein change: p.Asp125Asn; replaces aspartic acid 125 with asparagine.
Molecular consequence: missense variant. On other transcripts: non-coding transcript variant (2).
Genome position (GRCh38, 1-based): chrX:24,714,580, G>A. VCF-style: chrX-24714580-G-A. GRCh37 (hg19) VCF-style: chrX-24732697-G-A.
Other names: c.373G>A, p.Asp125Asn (NM_001378303.1); c.355G>A, p.Asp119Asn (NM_016937.4); short protein forms D119N, D125N.
Identifiers: ClinVar variation 2660195 (VCV002660195.24), dbSNP rs2518753595, ClinGen allele CA412526650.

ClinVar aggregate classification (germline): Uncertain significance (1 of 4 stars; one submission).

Submission:

CeGaT Center for Human Genetics Tuebingen
Classification: Uncertain significance. Last evaluated: 2023-07-01. Review status: criteria provided, single submitter. Criteria: CeGaT Center For Human Genetics Tuebingen Variant Classification Criteria Version 2. Collection method: clinical testing. Allele origin: germline. Affected: yes. Observed: 1 variant allele.
Comment: POLA1: PM2, BP4